The following is an entry in ClinVar:

ClinVar aggregate classification (germline): Pathogenic (1 of 4 stars; one submission).

Conditions:
Phelan-McDermid syndrome. Also called: TELOMERIC 22q13 MONOSOMY SYNDROME; 22q13.3 deletion syndrome; Phelan-McDermid Syndrome-SHANK3 Related. Identifiers: Orphanet 48652, MedGen C1853490, MONDO:0011652, OMIM 606232.

Submission:

Juno Genomics, Hangzhou Juno Genomics, Inc
Classification: Pathogenic for Phelan-McDermid syndrome. Review status: criteria provided, single submitter. Criteria: ACMG Guidelines, 2015. Collection method: clinical testing. Allele origin: germline. Affected: yes.
Comment: Null variant in a gene where loss of function (LOF) is a known mechanism of disease.;Absent from controls (or at extremely low frequency if recessive) in Genome Aggregation Database, Exome Sequencing Project, 1000 Genomes Project, or Exome Aggregation Consortium.;De novo (both maternity and paternity confirmed) in a patient with the disease and no family history.

NM_001372044.2(SHANK3):c.3773del (p.Glu1258fs)

Gene: SHANK3 (SH3 and multiple ankyrin repeat domains 3; plus strand). Cytogenetic location: 22q13.33.
Variant type: Deletion.
Coding change: c.3773del on transcript NM_001372044.2 (MANE Select); coding-DNA position 3773, one base deleted (A; older notation c.3773delA).
Protein change: p.Glu1258fs; shifts the reading frame from glutamic acid 1258.
Molecular consequence: frameshift variant.
Genome position (GRCh38, 1-based): chr22:50,721,381, A deleted. VCF-style (leftmost placement, unchanged base first): chr22-50721380-GA-G. GRCh37 (hg19) VCF-style: chr22-51159808-GA-G.
Other names: short protein forms E1258fs.
Identifiers: ClinVar variation 3382655 (VCV003382655.2).